The following is an entry in ClinVar:

ClinVar aggregate classification (germline): Uncertain significance. Review status: criteria provided, multiple submitters, no conflicts (2 of 4 stars). 8 submissions from 8 submitters: Uncertain significance (7). 1 of the submissions does not count toward it. Last evaluated 2026-01-11.

Conditions:
VCL-related disorder. Also called: VCL-related condition.
Cardiovascular phenotype. Identifiers: MedGen CN230736.
Dilated cardiomyopathy 1W (CMD1W). Identifiers: Orphanet 154, MedGen C1969639, MONDO:0012667, OMIM 611407.
Hypertrophic cardiomyopathy 15. Identifiers: MedGen C2750459, MONDO:0013200, OMIM 613255.
Dilated cardiomyopathy 1S (CMD1S). Identifiers: Orphanet 154, Orphanet 54260, MedGen C1834481, MONDO:0013262, OMIM 613426.

Allele frequency attached by ClinVar (database versions not stated): gnomAD exomes 0.00004 and 0.00006; gnomAD 0.00007 and 0.00008; ESP Exome Variant Server 0.00008; TOPMed 0.00008; ExAC 0.00002.
gnomAD v4.1: 96 of 1,614,118 alleles (0.0059%); highest among the groups gnomAD compares: Non-Finnish European, 0.0081%; no homozygotes.

Submissions (8):

Labcorp Genetics (formerly Invitae), Labcorp
Classification: Uncertain significance for Dilated cardiomyopathy 1W. Last evaluated: 2026-01-11. Review status: criteria provided, single submitter. Criteria: Invitae Variant Classification Sherloc (09022015). Collection method: clinical testing. Allele origin: germline.
Comment: This sequence change replaces lysine, which is basic and polar, with arginine, which is basic and polar, at codon 815 of the VCL protein (p.Lys815Arg). This variant is present in population databases (rs373010557, gnomAD 0.01%). This missense change has been observed in individual(s) with clinical features of dilated cardiomyopathy (PMID: 24062880, 27532257, 30847666, 32880476). ClinVar contains an entry for this variant (Variation ID: 45596). An algorithm developed to predict the effect of missense changes on protein structure and function (PolyPhen-2) suggests that this variant is likely to be disruptive. In summary, the available evidence is currently insufficient to determine the role of this variant in disease. Therefore, it has been classified as a Variant of Uncertain Significance.

PreventionGenetics, part of Exact Sciences
Classification: Uncertain significance for VCL-related condition. Last evaluated: 2025-12-18. Review status: criteria provided, single submitter. Criteria: ACMG Guidelines, 2015. Collection method: clinical testing. Allele origin: germline.
Comment: The VCL c.2444A>G variant is predicted to result in the amino acid substitution p.Lys815Arg. This variant has been reported in a family with dilated cardiomyopathy and congenital abnormalities who also carried a MYBPC3 variant (Wells et al. 2011. PubMed ID: 24062880). This variant has also been reported in individuals with cardiomyopathy (Table S1B, Walsh et al. 2016. PubMed ID: 27532257; Supplementary File 2, van Lint et al. 2019. PubMed ID: 30847666; Supplemental Table 3, Verdonschot et al. 2020. PubMed ID: 32880476). This variant is reported in 0.010% of alleles in individuals of European (Non-Finnish) descent in gnomAD. This variant is consistently interpreted as uncertain significance in ClinVar (ClinVar ID: 45596). At this time, the clinical significance of this variant is uncertain due to the absence of conclusive functional and genetic evidence.

Ambry Genetics
Classification: Uncertain significance for Cardiovascular phenotype. Last evaluated: 2024-11-14. Review status: criteria provided, single submitter. Criteria: Ambry Variant Classification Scheme 2023. Collection method: clinical testing. Allele origin: germline.

KardioGenetik, Herz- und Diabeteszentrum NRW
Classification: Uncertain significance for Dilated cardiomyopathy 1W. Last evaluated: 2024-01-29. Review status: criteria provided, single submitter. Criteria: ACMG Guidelines, 2015. Collection method: clinical testing. Allele origin: unknown. Affected: yes. Observed: 1 variant allele.

GeneDx
Classification: Uncertain significance. Last evaluated: 2021-12-28. Review status: criteria provided, single submitter. Criteria: GeneDx Variant Classification Process June 2021. Collection method: clinical testing. Allele origin: germline. Affected: yes.
Comment: Reported with an MYBPC3 variant in a proband with DCM and a family history of DCM and bicuspid aortic valve; three affected relatives harbored the VCL variant, two of whom also harbored the MYBPC3 variant (Wells et al., 2011); In silico analysis supports that this missense variant does not alter protein structure/function; This variant is associated with the following publications: (PMID: 27532257, 24503780, 24062880, 32880476, 30847666)

Fulgent Genetics
Classification: Uncertain significance for Dilated cardiomyopathy 1W; Hypertrophic cardiomyopathy 15. Last evaluated: 2021-08-26. Review status: criteria provided, single submitter. Criteria: ACMG Guidelines, 2015. Collection method: clinical testing. Allele origin: unknown.

Laboratory for Molecular Medicine, Mass General Brigham Personalized Medicine
Classification: Uncertain significance. Last evaluated: 2014-06-19. Review status: criteria provided, single submitter. Criteria: LMM Criteria. Collection method: clinical testing. Allele origin: germline. Observed: 4 variant alleles.
Comment: The Lys815Arg variant in VCL has been identified in one individual with DCM who also carried a second variant of unknown significance in MYBPC3 and segregated w ith disease in 3 affected family members, 2 of whom also carried the MYBPC3 vari ant (Wells 2011 and LMM unpublished data). The Lys815Arg variant has been identi fied in 1/8600 European American chromosomes by the NHLBI Exome Sequencing Proje ct (dbSNP rs373010557). Lysine (Lys) at positi on 815 is highly conserved in mammals and evolutionarily distant species, sugges ting that a change at this position may not be tolerated. While VCL variants ha ve been identified in individuals with HCM as well as DCM (Olson 2002, Vasile 20 06), few studies exist and the contribution of VCL to HCM and/or DCM as well as the types of pathogenic variation have not been well established. In summary, th e clinical significance of the Lys815Arg variant is uncertain and additional stu dies are needed to fully establish its clinical significance.

Institut für Laboratoriums- und Transfusionsmedizin, Herz- und Diabeteszentrum Nordrhein-Westfalen
Classification: Uncertain significance for Dilated cardiomyopathy 1S. Last evaluated: 2016-05-01. Review status: no assertion criteria provided. Collection method: clinical testing. Allele origin: germline. Affected: yes. Observed: 1 variant allele. Not counted in ClinVar's aggregate classification.

Literature cited by the submitters: PubMed 24062880 (cited by Labcorp Genetics (formerly Invitae), Labcorp); PubMed 27532257 (cited by Labcorp Genetics (formerly Invitae), Labcorp); PubMed 30847666 (cited by Labcorp Genetics (formerly Invitae), Labcorp); PubMed 32880476 (cited by Labcorp Genetics (formerly Invitae), Labcorp).

NM_014000.3(VCL):c.2444A>G (p.Lys815Arg)

Gene: VCL (vinculin; plus strand). Cytogenetic location: 10q22.2.
Variant type: single nucleotide variant.
Coding change: c.2444A>G on transcript NM_014000.3 (MANE Select); coding-DNA position 2444, A replaced by G.
Protein change: p.Lys815Arg; replaces lysine 815 with arginine.
Molecular consequence: missense variant.
Genome position (GRCh38, 1-based): chr10:74,107,239, A>G. VCF-style: chr10-74107239-A-G. GRCh37 (hg19) VCF-style: chr10-75866997-A-G.
Other names: c.2444A>G, p.Lys815Arg (NM_003373.4); short protein forms K815R.
Identifiers: ClinVar variation 45596 (VCV000045596.25), dbSNP rs373010557, ClinGen allele CA136745.